The following is an entry in ClinVar:

NM_002197.3(ACO1):c.2654G>A (p.Arg885His)

Gene: ACO1 (aconitase 1; plus strand). Cytogenetic location: 9p21.1.
Variant type: single nucleotide variant.
Coding change: c.2654G>A on transcript NM_002197.3 (MANE Select); coding-DNA position 2654, G replaced by A.
Protein change: p.Arg885His; replaces arginine 885 with histidine.
Molecular consequence: missense variant.
Genome position (GRCh38, 1-based): chr9:32,450,095, G>A. VCF-style: chr9-32450095-G-A. GRCh37 (hg19) VCF-style: chr9-32450093-G-A.
Other names: p.Arg885His; c.2654G>A (NM_001278352.1); c.2654G>A, p.Arg885His (NM_001278352.2, NM_001362840.2); short protein forms R885H.
Identifiers: ClinVar variation 2462536 (VCV002462536.4), dbSNP rs376675400, ClinGen allele CA5019362.

ClinVar aggregate classification (germline): Uncertain significance. Review status: criteria provided, multiple submitters, no conflicts (2 of 4 stars). 2 submissions from 2 submitters: Uncertain significance (2). Last evaluated 2025-05-20.

Allele frequency attached by ClinVar (database versions not stated): ExAC 0.00002; TOPMed 0.00006; ESP Exome Variant Server 0.00008.
gnomAD v4.1: 70 of 1,613,400 alleles (0.0043%); highest among the groups gnomAD compares: Middle Eastern, 0.017%; no homozygotes.

Submissions (2):

Ambry Genetics
Classification: Uncertain significance. Last evaluated: 2025-05-20. Review status: criteria provided, single submitter. Criteria: Ambry Variant Classification Scheme 2023. Collection method: clinical testing. Allele origin: germline.

Mayo Clinic Laboratories, Mayo Clinic
Classification: Uncertain significance. Last evaluated: 2024-10-30. Review status: criteria provided, single submitter. Criteria: ACMG Guidelines, 2015. Collection method: clinical testing. Allele origin: germline. Observed: 1 variant allele.
Comment: PM2_supporting